The following is an entry in ClinVar:

NM_001098.3(ACO2):c.1405G>A (p.Val469Ile)

Gene: ACO2 (aconitase 2; plus strand). Cytogenetic location: 22q13.2.
Variant type: single nucleotide variant.
Coding change: c.1405G>A on transcript NM_001098.3 (MANE Select); coding-DNA position 1405, G replaced by A.
Protein change: p.Val469Ile; replaces valine 469 with isoleucine.
Molecular consequence: missense variant.
Genome position (GRCh38, 1-based): chr22:41,523,864, G>A. VCF-style: chr22-41523864-G-A. GRCh37 (hg19) VCF-style: chr22-41919868-G-A.
Other names: short protein forms V469I.
Identifiers: ClinVar variation 1436105 (VCV001436105.7), dbSNP rs202122407, ClinGen allele CA10257646.

ClinVar aggregate classification (germline): Uncertain significance. Review status: criteria provided, multiple submitters, no conflicts (2 of 4 stars). 2 submissions from 2 submitters: Uncertain significance (2). Last evaluated 2025-08-04.

Allele frequency attached by ClinVar (database versions not stated): gnomAD 0.00001; ExAC 0.00003; gnomAD exomes 0.00003; TOPMed 0.00006.
gnomAD v4.1: 39 of 1,612,056 alleles (0.0024%); highest among the groups gnomAD compares: Admixed American, 0.0083%; no homozygotes.

Submissions (2):

Labcorp Genetics (formerly Invitae), Labcorp
Classification: Uncertain significance. Last evaluated: 2025-08-04. Review status: criteria provided, single submitter. Criteria: Invitae Variant Classification Sherloc (09022015). Collection method: clinical testing. Allele origin: germline.
Comment: This sequence change replaces valine, which is neutral and non-polar, with isoleucine, which is neutral and non-polar, at codon 469 of the ACO2 protein (p.Val469Ile). This variant is present in population databases (rs202122407, gnomAD 0.009%). This variant has not been reported in the literature in individuals affected with ACO2-related conditions. ClinVar contains an entry for this variant (Variation ID: 1436105). Invitae Evidence Modeling of protein sequence and biophysical properties (such as structural, functional, and spatial information, amino acid conservation, physicochemical variation, residue mobility, and thermodynamic stability) indicates that this missense variant is not expected to disrupt ACO2 protein function with a negative predictive value of 80%. In summary, the available evidence is currently insufficient to determine the role of this variant in disease. Therefore, it has been classified as a Variant of Uncertain Significance.

Blueprint Genetics
Classification: Uncertain significance. Last evaluated: 2022-08-25. Review status: criteria provided, single submitter. Criteria: ACMG Guidelines, 2015. Collection method: clinical testing. Allele origin: germline.